The following is an entry in ClinVar:

NM_003047.5(SLC9A1):c.1111A>G (p.Ile371Val)

Gene: SLC9A1 (solute carrier family 9 member A1; minus strand). Cytogenetic location: 1p36.11.
Variant type: single nucleotide variant.
Coding change: c.1111A>G on transcript NM_003047.5 (MANE Select); coding-DNA position 1111, A replaced by G.
Protein change: p.Ile371Val; replaces isoleucine 371 with valine.
Molecular consequence: missense variant. On other transcripts: non-coding transcript variant (1).
Genome position (GRCh38, 1-based): chr1:27,107,819, T>C on the plus strand (A>G on the coding strand, the complement: SLC9A1 is on the minus strand). VCF-style: chr1-27107819-T-C. GRCh37 (hg19) VCF-style: chr1-27434310-T-C.
Other names: short protein forms I371V.
Identifiers: ClinVar variation 5016907 (VCV005016907.1).

ClinVar aggregate classification (germline): Uncertain significance (1 of 4 stars; one submission).

Submission:

GeneDx
Classification: Uncertain significance. Last evaluated: 2026-03-24. Review status: criteria provided, single submitter. Criteria: GeneDx Variant Classification Process June 2021. Collection method: clinical testing. Allele origin: germline.
Comment: Not observed at significant frequency in large population cohorts (gnomAD); In silico analysis suggests that this missense variant does not alter protein structure/function; Has not been previously published as pathogenic or benign to our knowledge